The following is an entry in ClinVar:

NM_001036.6(RYR3):c.4210C>T (p.Arg1404Trp)

Gene: RYR3 (ryanodine receptor 3; plus strand). Cytogenetic location: 15q14.
Variant type: single nucleotide variant.
Coding change: c.4210C>T on transcript NM_001036.6 (MANE Select); coding-DNA position 4210, C replaced by T.
Protein change: p.Arg1404Trp; replaces arginine 1404 with tryptophan.
Molecular consequence: missense variant.
Genome position (GRCh38, 1-based): chr15:33,652,785, C>T. VCF-style: chr15-33652785-C-T. GRCh37 (hg19) VCF-style: chr15-33944986-C-T.
Other names: c.4210C>T, p.Arg1404Trp (NM_001243996.4); short protein forms R1404W.
Identifiers: ClinVar variation 856044 (VCV000856044.26), dbSNP rs367755953, ClinGen allele CA7458931.

ClinVar aggregate classification (germline): Uncertain significance. Review status: criteria provided, multiple submitters, no conflicts (2 of 4 stars). 3 submissions from 3 submitters: Uncertain significance (3). Last evaluated 2024-07-01.

Conditions:
Epileptic encephalopathy. Identifiers: MedGen C0543888, HP:0200134.
Congenital myopathy 20 (CMYO20). Identifiers: MedGen C5830393, MONDO:0957215, OMIM 620310.

Allele frequency attached by ClinVar (database versions not stated): gnomAD 0.00001; gnomAD exomes 0.00001 and 0.00003; ExAC 0.00003; TOPMed 0.00003; ESP Exome Variant Server 0.00008.
gnomAD v4.1: 16 of 1,613,768 alleles (0.00099%); highest among the groups gnomAD compares: East Asian, 0.016%; no homozygotes.

Submissions (3):

CeGaT Center for Human Genetics Tuebingen
Classification: Uncertain significance. Last evaluated: 2024-07-01. Review status: criteria provided, single submitter. Criteria: CeGaT Center For Human Genetics Tuebingen Variant Classification Criteria Version 2. Collection method: clinical testing. Allele origin: germline. Affected: yes. Observed: 1 variant allele.
Comment: RYR3: PM2

Labcorp Genetics (formerly Invitae), Labcorp
Classification: Uncertain significance for Epileptic encephalopathy. Last evaluated: 2020-10-01. Review status: criteria provided, single submitter. Criteria: Invitae Variant Classification Sherloc (09022015). Collection method: clinical testing. Allele origin: germline.
Comment: Algorithms developed to predict the effect of missense changes on protein structure and function (SIFT, PolyPhen-2, Align-GVGD) all suggest that this variant is likely to be disruptive, but these predictions have not been confirmed by published functional studies and their clinical significance is uncertain. This sequence change replaces arginine with tryptophan at codon 1404 of the RYR3 protein (p.Arg1404Trp). The arginine residue is highly conserved and there is a moderate physicochemical difference between arginine and tryptophan. This variant is present in population databases (rs367755953, ExAC 0.02%). This variant has not been reported in the literature in individuals with RYR3-related conditions. In summary, the available evidence is currently insufficient to determine the role of this variant in disease. Therefore, it has been classified as a Variant of Uncertain Significance.

Juno Genomics, Hangzhou Juno Genomics, Inc
Classification: Uncertain significance for Congenital myopathy 20. Review status: criteria provided, single submitter. Criteria: ACMG Guidelines, 2015. Collection method: clinical testing. Allele origin: germline.
Comment: Absent from controls (or at extremely low frequency if recessive) in Genome Aggregation Database.;Multiple lines of computational evidence support a deleterious effect on the gene or gene product.